The following is an entry in ClinVar:

NM_015338.6(ASXL1):c.3686T>C (p.Met1229Thr)

Gene: ASXL1 (ASXL transcriptional regulator 1; plus strand). Cytogenetic location: 20q11.21.
Variant type: single nucleotide variant.
Coding change: c.3686T>C on transcript NM_015338.6 (MANE Select); coding-DNA position 3686, T replaced by C.
Protein change: p.Met1229Thr; replaces methionine 1229 with threonine.
Molecular consequence: missense variant.
Genome position (GRCh38, 1-based): chr20:32,436,398, T>C. VCF-style: chr20-32436398-T-C. GRCh37 (hg19) VCF-style: chr20-31024201-T-C.
Other names: c.3503T>C, p.Met1168Thr (NM_001363734.1); short protein forms M1168T, M1229T.
Identifiers: ClinVar variation 4825181 (VCV004825181.1).

ClinVar aggregate classification (germline): Uncertain significance (1 of 4 stars; one submission).

Conditions:
Inborn genetic diseases. Identifiers: MedGen C0950123, MeSH D030342.

Submission:

Ambry Genetics
Classification: Uncertain significance for Inborn genetic diseases. Last evaluated: 2026-01-16. Review status: criteria provided, single submitter. Criteria: Ambry Variant Classification Scheme 2023. Collection method: clinical testing. Allele origin: germline.
Comment: The p.M1229T variant (also known as c.3686T>C), located in coding exon 13 of the ASXL1 gene, results from a T to C substitution at nucleotide position 3686. The methionine at codon 1229 is replaced by threonine, an amino acid with similar properties. This amino acid position is conserved. In addition, this alteration is predicted to be tolerated by in silico analysis. Based on the available evidence, the clinical significance of this variant remains unclear.